The following is an entry in ClinVar:

NM_001453.3(FOXC1):c.216G>A (p.Gln72=)

Gene: FOXC1 (forkhead box C1; plus strand). Cytogenetic location: 6p25.3.
Variant type: single nucleotide variant.
Coding change: c.216G>A on transcript NM_001453.3 (MANE Select); coding-DNA position 216, G replaced by A.
Protein change: p.Gln72=; no amino-acid change (glutamine 72 retained).
Molecular consequence: synonymous variant.
Genome position (GRCh38, 1-based): chr6:1,610,661, G>A. VCF-style: chr6-1610661-G-A. GRCh37 (hg19) VCF-style: chr6-1610896-G-A.
Identifiers: ClinVar variation 469650 (VCV000469650.14), dbSNP rs200040370, ClinGen allele CA3614722.

ClinVar aggregate classification (germline): Benign/Likely benign. Review status: criteria provided, multiple submitters, no conflicts (2 of 4 stars). 4 submissions from 4 submitters: Benign (1); Likely benign (3). Last evaluated 2026-03-30.

Conditions:
FOXC1-related disorder. Also called: FOXC1-related condition.
Axenfeld-Rieger syndrome type 3 (RIEG3). Also called: AXENFELD-RIEGER ANOMALY WITH CARDIAC DEFECTS AND/OR SENSORINEURAL HEARING LOSS. Identifiers: Orphanet 782, MedGen C2678503, MONDO:0011233, OMIM 602482.

Allele frequency attached by ClinVar (database versions not stated): gnomAD exomes 0.00011 and 0.00028; gnomAD 0.00016 and 0.00021; ExAC 0.00017; TOPMed 0.00031; 1000 Genomes Project 0.00080; 1000 Genomes Project 30x 0.00094.
gnomAD v4.1: 209 of 1,613,456 alleles (0.013%); highest among the groups gnomAD compares: Admixed American, 0.14%; no homozygotes.

Submissions (4):

PreventionGenetics, part of Exact Sciences
Classification: Likely benign for FOXC1-related condition. Last evaluated: 2026-03-30. Review status: criteria provided, single submitter. Criteria: ACMG Guidelines, 2015. Collection method: clinical testing. Allele origin: germline.
Comment: This variant is classified as likely benign based on ACMG/AMP sequence variant interpretation guidelines (Richards et al. 2015 PMID: 25741868, with internal and published modifications).

Labcorp Genetics (formerly Invitae), Labcorp
Classification: Benign for Axenfeld-Rieger syndrome type 3. Last evaluated: 2026-01-07. Review status: criteria provided, single submitter. Criteria: Invitae Variant Classification Sherloc (09022015). Collection method: clinical testing. Allele origin: germline.

Blueprint Genetics
Classification: Likely benign. Last evaluated: 2024-11-13. Review status: criteria provided, single submitter. Criteria: ACMG Guidelines, 2015. Collection method: clinical testing. Allele origin: germline.

GeneDx
Classification: Likely benign. Last evaluated: 2018-06-18. Review status: criteria provided, single submitter. Criteria: GeneDx Variant Classification (06012015). Collection method: clinical testing. Allele origin: germline. Affected: yes.
Comment: This variant is considered likely benign or benign based on one or more of the following criteria: it is a conservative change, it occurs at a poorly conserved position in the protein, it is predicted to be benign by multiple in silico algorithms, and/or has population frequency not consistent with disease.